The following is an entry in ClinVar:

ClinVar aggregate classification (germline): Uncertain significance (1 of 4 stars; one submission).

Submission:

Labcorp Genetics (formerly Invitae), Labcorp
Classification: Uncertain significance. Last evaluated: 2024-12-09. Review status: criteria provided, single submitter. Criteria: Invitae Variant Classification Sherloc (09022015). Collection method: clinical testing. Allele origin: germline.
Comment: This sequence change replaces glutamic acid, which is acidic and polar, with glutamine, which is neutral and polar, at codon 1657 of the DOCK6 protein (p.Glu1657Gln). This variant is not present in population databases (gnomAD no frequency). This variant has not been reported in the literature in individuals affected with DOCK6-related conditions. ClinVar contains an entry for this variant (Variation ID: 1361950). Invitae Evidence Modeling of protein sequence and biophysical properties (such as structural, functional, and spatial information, amino acid conservation, physicochemical variation, residue mobility, and thermodynamic stability) indicates that this missense variant is expected to disrupt DOCK6 protein function with a positive predictive value of 80%. In summary, the available evidence is currently insufficient to determine the role of this variant in disease. Therefore, it has been classified as a Variant of Uncertain Significance.

NM_020812.4(DOCK6):c.4969G>C (p.Glu1657Gln)

Genes: DOCK6 (dedicator of cytokinesis 6; minus strand), DOCK6-AS1 (DOCK6 antisense RNA 1; plus strand). Cytogenetic location: 19p13.2.
Variant type: single nucleotide variant.
Coding change: c.4969G>C on transcript NM_020812.4 (MANE Select); coding-DNA position 4969, G replaced by C.
Protein change: p.Glu1657Gln; replaces glutamic acid 1657 with glutamine.
Molecular consequence: missense variant.
Genome position (GRCh38, 1-based): chr19:11,208,805, C>G on the plus strand (G>C on the coding strand, the complement: DOCK6 is on the minus strand). VCF-style: chr19-11208805-C-G. GRCh37 (hg19) VCF-style: chr19-11319481-C-G.
Other names: c.5074G>C, p.Glu1692Gln (NM_001367830.1); short protein forms E1692Q, E1657Q.
Identifiers: ClinVar variation 1361950 (VCV001361950.8), dbSNP rs2079309058, ClinGen allele CA404077104.
Genomic context (GRCh38, chr19:11,208,805, plus strand): 5'-GCTTCCCGGAGCAGAAGCCCTCCTCGTCGGGCGACAGGATGTCGTCGGAGATGGCGGACT[C>G]CTCTAGCACGTTGGATGAGATGTTCTGGGGTGGGAGAGGTGGCGTCAGACCCTGGTCCCC-3'
Protein context (NP_065863.2, residues 1647-1667): FQNISSNVLE[Glu1657Gln]SAISDDILSP